The following is an entry in ClinVar:

NM_001904.4(CTNNB1):c.-9G>C

Gene: CTNNB1 (catenin beta 1; plus strand). Cytogenetic location: 3p22.1.
Variant type: single nucleotide variant.
Coding change: c.-9G>C on transcript NM_001904.4 (MANE Select); 9 bases upstream of the start codon, G replaced by C.
Molecular consequence: 5 prime UTR variant.
Genome position (GRCh38, 1-based): chr3:41,224,060, G>C. VCF-style: chr3-41224060-G-C. GRCh37 (hg19) VCF-style: chr3-41265551-G-C.
Other names: c.-9G>C (NM_001098209.2, NM_001098210.2); c.-162G>C (NM_001330729.2).
Identifiers: ClinVar variation 3052758 (VCV003052758.3), dbSNP rs5743390, ClinGen allele CA2330838.

ClinVar aggregate classification (germline): Likely benign. Review status: criteria provided, single submitter (1 of 4 stars). 2 submissions from 2 submitters: Likely benign (1). 1 of the submissions does not count toward it. Last evaluated 2024-10-08.

Conditions:
CTNNB1-related disorder. Also called: CTNNB1-related condition.

Allele frequency attached by ClinVar (database versions not stated): 1000 Genomes Project 0.00040; gnomAD 0.00040; TOPMed 0.00041; ExAC 0.00043; ESP Exome Variant Server 0.00054; 1000 Genomes Project 30x 0.00062; gnomAD exomes 0.00089.
gnomAD v4.1: 1,406 of 1,613,682 alleles (0.087%); highest among the groups gnomAD compares: Non-Finnish European, 0.11%; 2 homozygotes.

Submissions (2):

Blueprint Genetics
Classification: Likely benign. Last evaluated: 2024-10-08. Review status: criteria provided, single submitter. Criteria: ACMG Guidelines, 2015. Collection method: clinical testing. Allele origin: germline.

PreventionGenetics, part of Exact Sciences
Classification: Likely benign for CTNNB1-related condition. Last evaluated: 2019-09-11. Review status: no assertion criteria provided. Collection method: clinical testing. Allele origin: germline. Not counted in ClinVar's aggregate classification.
Comment: This variant is classified as likely benign based on ACMG/AMP sequence variant interpretation guidelines (Richards et al. 2015 PMID: 25741868, with internal and published modifications).